The following is an entry in ClinVar:

NM_005120.3(MED12):c.6321_6335del (p.Gln2111_Gln2115del)

Gene: MED12 (mediator complex subunit 12; plus strand). Cytogenetic location: Xq13.1.
Variant type: Deletion.
Coding change: c.6321_6335del on transcript NM_005120.3 (MANE Select); coding-DNA positions 6321 to 6335, 15 bases deleted (GCAGCAGCAACAGCA).
Protein change: p.Gln2111_Gln2115del.
Molecular consequence: inframe deletion.
Genome position (GRCh38, 1-based): chrX:71,141,283-71,141,297, GCAGCAGCAACAGCA deleted; deleting any 15 consecutive bases within chrX:71,141,272-71,141,297 gives the same sequence; the c. name uses the placement nearest the transcript's 3' end. VCF-style (leftmost placement, unchanged base first): chrX-71141271-ACAGCAACAGCAGCAG-A. GRCh37 (hg19) VCF-style: chrX-70361121-ACAGCAACAGCAGCAG-A.
Other names: c.6321_6335del (NM_005120.2).
Identifiers: ClinVar variation 166877 (VCV000166877.21), dbSNP rs727503869, ClinGen allele CA179884.

ClinVar aggregate classification (germline): Conflicting classifications of pathogenicity. Review status: criteria provided, conflicting classifications (1 of 4 stars). 6 submissions from 6 submitters: Uncertain significance (1); Benign (3); Likely benign (1). 1 of the submissions does not count toward it. Last evaluated 2026-01-26.

Conditions:
FG syndrome (FGS). Identifiers: MedGen C0220769, MONDO:0002010.
Cardiovascular phenotype. Identifiers: MedGen CN230736.
MED12-Related Disorders. Also called: MED12-related condition; MED12-related disorder. Identifiers: MedGen CN381102.

Submissions (6):

Labcorp Genetics (formerly Invitae), Labcorp
Classification: Uncertain significance for FG syndrome. Last evaluated: 2026-01-26. Review status: criteria provided, single submitter. Criteria: Invitae Variant Classification Sherloc (09022015). Collection method: clinical testing. Allele origin: germline.
Comment: This variant, c.6321_6335del, results in the deletion of 5 amino acid(s) of the MED12 protein (p.Gln2111_Gln2115del), but otherwise preserves the integrity of the reading frame. The frequency data for this variant in the population databases is considered unreliable, as metrics indicate poor data quality at this position in the gnomAD database. This variant has not been reported in the literature in individuals affected with MED12-related conditions. ClinVar contains an entry for this variant (Variation ID: 166877). Experimental studies and prediction algorithms are not available or were not evaluated, and the functional significance of this variant is currently unknown. In summary, the available evidence is currently insufficient to determine the role of this variant in disease. Therefore, it has been classified as a Variant of Uncertain Significance.

Blueprint Genetics
Classification: Likely benign. Last evaluated: 2024-11-28. Review status: criteria provided, single submitter. Criteria: ACMG Guidelines, 2015. Collection method: clinical testing. Allele origin: germline.

Ambry Genetics
Classification: Benign for Cardiovascular phenotype. Last evaluated: 2016-11-30. Review status: criteria provided, single submitter. Criteria: Ambry Autosomal Dominant and X-Linked criteria (10/2015). Collection method: clinical testing. Allele origin: germline. Observed: 1 variant allele.
Comment: General population or subpopulation frequency is too high to be a pathogenic mutation based on disease/syndrome prevalence and penetrance

GeneDx
Classification: Benign. Last evaluated: 2015-11-05. Review status: criteria provided, single submitter. Criteria: GeneDx Variant Classification Process June 2021. Collection method: clinical testing. Allele origin: germline. Affected: yes.

Eurofins Ntd Llc (ga)
Classification: Benign. Last evaluated: 2013-12-18. Review status: criteria provided, single submitter. Criteria: EGL Classification Definitions 2015. Collection method: clinical testing. Allele origin: germline. Observed: 2 variant alleles, 1 heterozygote, 1 hemizygote.

PreventionGenetics, part of Exact Sciences
Classification: Likely benign for MED12-related condition. Last evaluated: 2020-07-15. Review status: no assertion criteria provided. Collection method: clinical testing. Allele origin: germline. Not counted in ClinVar's aggregate classification.
Comment: This variant is classified as likely benign based on ACMG/AMP sequence variant interpretation guidelines (Richards et al. 2015 PMID: 25741868, with internal and published modifications).

Literature cited by the submitters: PubMed 26813965 (cited by Ambry Genetics).